The following is an entry in ClinVar:

ClinVar aggregate classification (germline): Conflicting classifications of pathogenicity. Review status: criteria provided, conflicting classifications (1 of 4 stars). 2 submissions from 2 submitters: Likely pathogenic (1); Uncertain significance (1). Last evaluated 2024-10-30.

Conditions:
Renal cysts and diabetes syndrome (RCAD). Also called: Familial hypoplastic, glomerulocystic kidney; MATURITY-ONSET DIABETES OF THE YOUNG, TYPE 5. Identifiers: Orphanet 93111, MedGen C0431693, MONDO:0007669, OMIM 137920.

Submissions (2):

Victorian Clinical Genetics Services, Murdoch Childrens Research Institute
Classification: Uncertain significance for Renal cysts and diabetes syndrome. Last evaluated: 2024-10-30. Review status: criteria provided, single submitter. Criteria: ACMG Guidelines, 2015. Collection method: clinical testing. Allele origin: germline. Affected: yes.
Comment: This variant is classified as VUS-3A. Evidence in support of pathogenic classification: Variant is absent from gnomAD (v2, v3 and v4); This variant has limited previous evidence of pathogenicity in an unrelated individual. Additionally, his son developed antenatal bilateral hyperechogenic microcystic kidneys and harboured the same variant (PMID: 26946416); Missense variant consistently predicted to be damaging by in silico tool or highly conserved with a major amino acid change; Strong phenotype match for this individual. Additional information: Variant is predicted to result in a missense amino acid change from proline to leucine; This variant is heterozygous; This gene is associated with autosomal dominant disease; An alternative amino acid change at the same position has been observed in gnomAD (v4: 2 heterozygote(s), 0 homozygote(s)); No published functional evidence has been identified for this variant; No comparable missense variants have previous evidence for pathogenicity; Variant is located in the annotated HNF-1B_C domain (DECIPHER); Dominant negative, loss of function, and gain of function are all reported mechanisms of disease in this gene and are associated with type 2 diabetes mellitus (MIM#125853) and renal cysts and diabetes syndrome (MIM#137920, PMID: 25536396, 11845238, 15509593); Variants in this gene are known to have variable expressivity. There is significant interfamilial and intrafamilial variability of HNF1B-related nephropathy (PMID: 33305128); Inheritance information for this variant is not currently available in this individual.

Institute of Human Genetics, FAU Erlangen, Friedrich-Alexander-Universität Erlangen-Nürnberg
Classification: Likely pathogenic for Renal cysts and diabetes syndrome. Last evaluated: 2019-07-06. Review status: criteria provided, single submitter. Criteria: ACMG Guidelines, 2015. Collection method: literature only. Allele origin: germline. Affected: yes.
Comment: This variant and it's classification has been reported by Vasileiou et al. 2019; DOI:10.1101/576918. The variants has previously been reported in PMID:28420700 as "c.1310C>T,p.Pro437Leu" with clinical significance Pathogenic. It has been re-classified using InterVar and manual curation as Likely pathogenic based on PM1 PM2 PP3 PP5.

Literature cited by the submitters: PubMed 11845238 (cited by Victorian Clinical Genetics Services, Murdoch Childrens Research Institute); PubMed 25536396 (cited by Victorian Clinical Genetics Services, Murdoch Childrens Research Institute); PubMed 26946416 (cited by Victorian Clinical Genetics Services, Murdoch Childrens Research Institute); PubMed 15509593 (cited by Victorian Clinical Genetics Services, Murdoch Childrens Research Institute); PubMed 33305128 (cited by Victorian Clinical Genetics Services, Murdoch Childrens Research Institute); PubMed 28420700 (cited by Institute of Human Genetics, FAU Erlangen, Friedrich-Alexander-Universität Erlangen-Nürnberg); DOI 10.1101/576918 (cited by Institute of Human Genetics, FAU Erlangen, Friedrich-Alexander-Universität Erlangen-Nürnberg).

NM_000458.4(HNF1B):c.1310C>T (p.Pro437Leu)

Gene: HNF1B (HNF1 homeobox B; minus strand). Cytogenetic location: 17q12.
Variant type: single nucleotide variant.
Coding change: c.1310C>T on transcript NM_000458.4 (MANE Select); coding-DNA position 1310, C replaced by T.
Protein change: p.Pro437Leu; replaces proline 437 with leucine.
Molecular consequence: missense variant.
Genome position (GRCh38, 1-based): chr17:37,704,946, G>A on the plus strand (C>T on the coding strand, the complement: HNF1B is on the minus strand). VCF-style: chr17-37704946-G-A. GRCh37 (hg19) VCF-style: chr17-36064953-G-A.
Other names: c.1232C>T, p.Pro411Leu (NM_001165923.4, NM_001304286.2); short protein forms P437L, P411L.
Identifiers: ClinVar variation 635591 (VCV000635591.3), dbSNP rs1263484305, ClinGen allele CA398757201.